The following is an entry in ClinVar:

NM_004937.3(CTNS):c.861G>A (p.Met287Ile)

Gene: CTNS (cystinosin, lysosomal cystine transporter; plus strand). Cytogenetic location: 17p13.2.
Variant type: single nucleotide variant.
Coding change: c.861G>A on transcript NM_004937.3 (MANE Select); coding-DNA position 861, G replaced by A.
Protein change: p.Met287Ile; replaces methionine 287 with isoleucine.
Molecular consequence: missense variant.
Genome position (GRCh38, 1-based): chr17:3,659,866, G>A. VCF-style: chr17-3659866-G-A. GRCh37 (hg19) VCF-style: chr17-3563160-G-A.
Other names: c.861G>A, p.Met287Ile (NM_001031681.3, NM_001374492.1); c.420G>A, p.Met140Ile (NM_001374493.1, NM_001374494.1, NM_001374495.1 and 1 more transcripts); short protein forms M140I, M287I.
Identifiers: ClinVar variation 3366734 (VCV003366734.1).

ClinVar aggregate classification (germline): Uncertain significance (1 of 4 stars; one submission).

gnomAD v4.1: 1 of 1,613,724 alleles (0.000062%); highest among the groups gnomAD compares: Non-Finnish European, 0.000085%; no homozygotes.

Submission:

Women's Health and Genetics/Laboratory Corporation of America, LabCorp
Classification: Uncertain significance. Last evaluated: 2024-08-19. Review status: criteria provided, single submitter. Criteria: LabCorp Variant Classification Summary - May 2015. Collection method: clinical testing. Allele origin: germline.
Comment: Variant summary: CTNS c.861G>A (p.Met287Ile) results in a conservative amino acid change in the encoded protein sequence. Three of five in-silico tools predict a benign effect of the variant on protein function. At least one publication reports experimental evidence that this variant affects mRNA splicing. The variant was absent in 250816 control chromosomes. c.861G>A has been reported in the literature in a compound heterozygous individual affected with Cystinosis (Mason_2003). These data do not allow any conclusion about variant significance. One functional study has shown that this variant increases the chance of aberrant splicing and exon 11 skipping in a minigene assay, but this data has not been confirmed in vivo (Li_2024). The following publications have been ascertained in the context of this evaluation (PMID: 38009794, 12825071). No submitters have cited clinical-significance assessments for this variant to ClinVar. Based on the evidence outlined above, the variant was classified as VUS-possibly pathogenic.

Literature cited by the submitters: PubMed 12825071; PubMed 38009794.